The following is an entry in ClinVar:

NM_006231.4(POLE):c.1710G>T (p.Leu570=)

Gene: POLE (DNA polymerase epsilon, catalytic subunit; minus strand). Cytogenetic location: 12q24.33.
Variant type: single nucleotide variant.
Coding change: c.1710G>T on transcript NM_006231.4 (MANE Select); coding-DNA position 1710, G replaced by T.
Protein change: p.Leu570=; no amino-acid change (leucine 570 retained).
Molecular consequence: synonymous variant.
Genome position (GRCh38, 1-based): chr12:132,672,299, C>A on the plus strand (G>T on the coding strand, the complement: POLE is on the minus strand). VCF-style: chr12-132672299-C-A. GRCh37 (hg19) VCF-style: chr12-133248885-C-A.
Identifiers: ClinVar variation 4862291 (VCV004862291.1).

ClinVar aggregate classification (germline): Uncertain significance (1 of 4 stars; one submission).

Conditions:
Hereditary cancer-predisposing syndrome. Also called: Neoplastic Syndromes, Hereditary; Tumor predisposition; Hereditary Cancer Syndrome; Hereditary neoplastic syndrome. Identifiers: Orphanet 140162, MedGen C0027672, MeSH D009386, MONDO:0015356.

Submission:

Ambry Genetics
Classification: Uncertain significance for Hereditary cancer-predisposing syndrome. Last evaluated: 2026-05-04. Review status: criteria provided, single submitter. Criteria: Ambry Variant Classification Scheme 2023. Collection method: clinical testing. Allele origin: germline.
Comment: The c.1710G>T variant (also known as p.L570L), located in coding exon 16 of the POLE gene, results from a G to T substitution at nucleotide position 1710. This nucleotide substitution does not change the amino acid at codon 570. This nucleotide position is well conserved in available vertebrate species. In silico splice site analysis predicts that this alteration will result in the creation or strengthening of a novel splice acceptor site. Based on the available evidence, the clinical significance of this variant remains unclear.